The following is an entry in ClinVar:

NM_005121.3(MED13):c.4192-8A>C

Gene: MED13 (mediator complex subunit 13; minus strand). Cytogenetic location: 17q23.2.
Variant type: single nucleotide variant.
Coding change: c.4192-8A>C on transcript NM_005121.3 (MANE Select); 8 bases into the intron before coding-DNA position 4192, A replaced by C.
Molecular consequence: intron variant.
Genome position (GRCh38, 1-based): chr17:61,966,659, T>G on the plus strand (A>C on the coding strand, the complement: MED13 is on the minus strand). VCF-style: chr17-61966659-T-G. GRCh37 (hg19) VCF-style: chr17-60044020-T-G.
Identifiers: ClinVar variation 3340025 (VCV003340025.1).

ClinVar aggregate classification (germline): Uncertain significance (1 of 4 stars; one submission).

Submission:

Women's Health and Genetics/Laboratory Corporation of America, LabCorp
Classification: Uncertain significance. Last evaluated: 2024-06-27. Review status: criteria provided, single submitter. Criteria: LabCorp Variant Classification Summary - May 2015. Collection method: clinical testing. Allele origin: germline.
Comment: Variant summary: MED13 c.4192-8A>C alters a non-conserved nucleotide located close to a canonical splice site and therefore could affect mRNA splicing, leading to a significantly altered protein sequence. Consensus agreement among computation tools predict no significant impact on normal splicing. However, these predictions have yet to be confirmed by functional studies. The frequency data for this variant in gnomAD is considered unreliable, as metrics indicate poor data quality at this position. To our knowledge, no occurrence of c.4192-8A>C in individuals affected with Intellectual Developmental Disorder 61 and no experimental evidence demonstrating its impact on protein function have been reported. No submitters have cited clinical-significance assessments for this variant to ClinVar. Based on the evidence outlined above, the variant was classified as uncertain significance.